The following is an entry in ClinVar:

NM_001127208.3(TET2):c.2982C>G (p.His994Gln)

Genes: TET2 (tet methylcytosine dioxygenase 2; plus strand), TET2-AS1 (TET2 antisense RNA 1; minus strand). Cytogenetic location: 4q24.
Variant type: single nucleotide variant.
Coding change: c.2982C>G on transcript NM_001127208.3 (MANE Select); coding-DNA position 2982, C replaced by G.
Protein change: p.His994Gln; replaces histidine 994 with glutamine.
Molecular consequence: missense variant.
Genome position (GRCh38, 1-based): chr4:105,236,924, C>G. VCF-style: chr4-105236924-C-G. GRCh37 (hg19) VCF-style: chr4-106158081-C-G.
Other names: c.2982C>G, p.His994Gln (NM_017628.4); short protein forms H994Q.
Identifiers: ClinVar variation 3455390 (VCV003455390.1).

ClinVar aggregate classification (germline): Uncertain significance (1 of 4 stars; one submission).

gnomAD v4.1: 1 of 1,613,958 alleles (0.000062%); highest among the groups gnomAD compares: Non-Finnish European, 0.000085%; no homozygotes.

Submission:

Ambry Genetics
Classification: Uncertain significance. Last evaluated: 2024-12-08. Review status: criteria provided, single submitter. Criteria: Ambry Variant Classification Scheme 2023. Collection method: clinical testing. Allele origin: germline.
Comment: The p.H994Q variant (also known as c.2982C>G), located in coding exon 1 of the TET2 gene, results from a C to G substitution at nucleotide position 2982. The histidine at codon 994 is replaced by glutamine, an amino acid with highly similar properties. This amino acid position is conserved. In addition, this alteration is predicted to be tolerated by in silico analysis. Based on the available evidence, the clinical significance of this variant remains unclear.